The following is an entry in ClinVar:

NM_000051.4(ATM):c.4749C>T (p.Tyr1583=)

Gene: ATM (ATM serine/threonine kinase; plus strand). Cytogenetic location: 11q22.3.
Variant type: single nucleotide variant.
Coding change: c.4749C>T on transcript NM_000051.4 (MANE Select); coding-DNA position 4749, C replaced by T.
Protein change: p.Tyr1583=; no amino-acid change (tyrosine 1583 retained).
Molecular consequence: synonymous variant.
Genome position (GRCh38, 1-based): chr11:108,293,450, C>T. VCF-style: chr11-108293450-C-T. GRCh37 (hg19) VCF-style: chr11-108164177-C-T.
Other names: c.4749C>T, p.Tyr1583= (NM_001351834.2).
Identifiers: ClinVar variation 453536 (VCV000453536.19), dbSNP rs1555100597, ClinGen allele CA476674466.

ClinVar aggregate classification (germline): Benign/Likely benign. Review status: criteria provided, multiple submitters, no conflicts (2 of 4 stars). 5 submissions from 5 submitters: Benign (1); Likely benign (4). Last evaluated 2024-10-10.

Conditions:
Hereditary cancer-predisposing syndrome. Also called: Tumor predisposition; Hereditary Cancer Syndrome; Neoplastic Syndromes, Hereditary; Hereditary neoplastic syndrome. Identifiers: Orphanet 140162, MedGen C0027672, MeSH D009386, MONDO:0015356.
Familial cancer of breast. Also called: Hereditary breast cancer; hereditary breast carcinoma; BREAST CANCER, FAMILIAL. Identifiers: Orphanet 227535, MedGen C0346153, MONDO:0016419, OMIM 114480. Disease mechanism: loss of function.
Ataxia-telangiectasia syndrome (AT). Also called: Cerebello-oculocutaneous telangiectasia; Immunodeficiency with ataxia telangiectasia; Ataxia-telangiectasia, complementation group D; AT, COMPLEMENTATION GROUP C; Ataxia-telangiectasia, complementation group E; LOUIS-BAR SYNDROME. Identifiers: Orphanet 100, MedGen C0004135, MONDO:0008840, OMIM 208900.

Submissions (5):

Hereditary Cancer Laboratory, Hospital Universitario 12 de Octubre
Classification: Likely benign for Hereditary cancer-predisposing syndrome. Last evaluated: 2024-10-10. Review status: criteria provided, single submitter. Criteria: ACMG Guidelines, 2015. Collection method: clinical testing. Allele origin: germline.
Comment: PM2+BP4+BP6+BP7

Myriad Genetics, Inc.
Classification: Benign for Familial cancer of breast. Last evaluated: 2024-05-20. Review status: criteria provided, single submitter. Criteria: Myriad Autosomal Dominant, Autosomal Recessive and X-Linked Classification Criteria (2023). Collection method: clinical testing. Allele origin: unknown.
Comment: This variant is considered benign. This variant is a silent/synonymous amino acid change and it is not expected to impact splicing.

Labcorp Genetics (formerly Invitae), Labcorp
Classification: Likely benign for Ataxia-telangiectasia syndrome. Last evaluated: 2023-10-28. Review status: criteria provided, single submitter. Criteria: Invitae Variant Classification Sherloc (09022015). Collection method: clinical testing. Allele origin: germline.

Color Diagnostics, LLC DBA Color Health
Classification: Likely benign for Hereditary cancer-predisposing syndrome. Last evaluated: 2021-07-26. Review status: criteria provided, single submitter. Criteria: ACMG Guidelines, 2015. Collection method: clinical testing. Allele origin: germline.

Ambry Genetics
Classification: Likely benign for Hereditary cancer-predisposing syndrome. Last evaluated: 2016-03-07. Review status: criteria provided, single submitter. Criteria: Ambry Variant Classification Scheme 2023. Collection method: clinical testing. Allele origin: germline.